The following is an entry in ClinVar:

ClinVar aggregate classification (germline): Uncertain significance. Review status: criteria provided, multiple submitters, no conflicts (2 of 4 stars). 2 submissions from 2 submitters: Uncertain significance (2). Last evaluated 2023-12-20.

Conditions:
Familial thoracic aortic aneurysm and aortic dissection (TAAD). Also called: Thoracic aortic aneurysms and dissections. Identifiers: Orphanet 91387, MedGen C4707243, MONDO:0019625.
Marfan syndrome (MFS). Also called: MARFAN SYNDROME, TYPE I; Marfan syndrome type 1; Marfan's syndrome; Marfan syndrome, classic; FBN1-Related Marfan Syndrome. Identifiers: Orphanet 284963, Orphanet 558, MedGen C0024796, MONDO:0007947, OMIM 154700.

Allele frequency attached by ClinVar (database versions not stated): gnomAD exomes below 0.00001.
gnomAD v4.1: 3 of 1,612,828 alleles (0.00019%); highest among the groups gnomAD compares: Non-Finnish European, 0.00025%; no homozygotes.

Submissions (2):

GeneDx
Classification: Uncertain significance. Last evaluated: 2023-12-20. Review status: criteria provided, single submitter. Criteria: GeneDx Variant Classification Process June 2021. Collection method: clinical testing. Allele origin: germline. Affected: yes.
Comment: Has not been previously published as pathogenic or benign to our knowledge; Not observed at significant frequency in large population cohorts (gnomAD); In silico analysis supports that this missense variant does not alter protein structure/function; Although located in a calcium-binding EGF-like domain of the FBN1 gene, it does not affect a cysteine residue within this domain; cysteine substitutions in the calcium-binding EGF-like domains represent the majority of pathogenic missense changes associated with FBN1-related disorders (PMID: 12938084); This variant is associated with the following publications: (PMID: 12938084)

Labcorp Genetics (formerly Invitae), Labcorp
Classification: Uncertain significance for Marfan syndrome; Familial thoracic aortic aneurysm and aortic dissection. Last evaluated: 2022-06-11. Review status: criteria provided, single submitter. Criteria: Invitae Variant Classification Sherloc (09022015). Collection method: clinical testing. Allele origin: germline.
Comment: This sequence change replaces isoleucine, which is neutral and non-polar, with serine, which is neutral and polar, at codon 1921 of the FBN1 protein (p.Ile1921Ser). This variant is not present in population databases (gnomAD no frequency). This variant has not been reported in the literature in individuals affected with FBN1-related conditions. Advanced modeling of protein sequence and biophysical properties (such as structural, functional, and spatial information, amino acid conservation, physicochemical variation, residue mobility, and thermodynamic stability) performed at Invitae indicates that this missense variant is not expected to disrupt FBN1 protein function. In summary, the available evidence is currently insufficient to determine the role of this variant in disease. Therefore, it has been classified as a Variant of Uncertain Significance.

NM_000138.5(FBN1):c.5762T>G (p.Ile1921Ser)

Gene: FBN1 (fibrillin 1; minus strand). Cytogenetic location: 15q21.1.
Variant type: single nucleotide variant.
Coding change: c.5762T>G on transcript NM_000138.5 (MANE Select); coding-DNA position 5762, T replaced by G.
Protein change: p.Ile1921Ser; replaces isoleucine 1921 with serine.
Molecular consequence: missense variant.
Genome position (GRCh38, 1-based): chr15:48,446,732, A>C on the plus strand (T>G on the coding strand, the complement: FBN1 is on the minus strand). VCF-style: chr15-48446732-A-C. GRCh37 (hg19) VCF-style: chr15-48738929-A-C.
Other names: c.5762T>G, p.Ile1921Ser (NM_001406716.1); short protein forms I1921S.
Identifiers: ClinVar variation 1990732 (VCV001990732.2), dbSNP rs2043162407, ClinGen allele CA392341106.